The following is an entry in ClinVar:

NM_014159.7(SETD2):c.2044G>A (p.Asp682Asn)

Gene: SETD2 (SET domain containing 2, histone lysine methyltransferase; minus strand). Cytogenetic location: 3p21.31.
Variant type: single nucleotide variant.
Coding change: c.2044G>A on transcript NM_014159.7 (MANE Select); coding-DNA position 2044, G replaced by A.
Protein change: p.Asp682Asn; replaces aspartic acid 682 with asparagine.
Molecular consequence: missense variant. On other transcripts: non-coding transcript variant (1).
Genome position (GRCh38, 1-based): chr3:47,122,592, C>T on the plus strand (G>A on the coding strand, the complement: SETD2 is on the minus strand). VCF-style: chr3-47122592-C-T. GRCh37 (hg19) VCF-style: chr3-47164082-C-T.
Other names: c.1912G>A, p.Asp638Asn (NM_001349370.3); short protein forms D638N, D682N.
Identifiers: ClinVar variation 1006989 (VCV001006989.5), dbSNP rs2043144038, ClinGen allele CA352528086.

ClinVar aggregate classification (germline): Uncertain significance (1 of 4 stars; one submission).

Conditions:
Luscan-Lumish syndrome. Identifiers: Orphanet 597738, MedGen C4085873, MONDO:0014791, OMIM 616831.

Submission:

Labcorp Genetics (formerly Invitae), Labcorp
Classification: Uncertain significance for Luscan-Lumish syndrome. Last evaluated: 2022-07-19. Review status: criteria provided, single submitter. Criteria: Invitae Variant Classification Sherloc (09022015). Collection method: clinical testing. Allele origin: germline.
Comment: This variant is not present in population databases (gnomAD no frequency). This sequence change replaces aspartic acid, which is acidic and polar, with asparagine, which is neutral and polar, at codon 682 of the SETD2 protein (p.Asp682Asn). This variant has not been reported in the literature in individuals affected with SETD2-related conditions. In summary, the available evidence is currently insufficient to determine the role of this variant in disease. Therefore, it has been classified as a Variant of Uncertain Significance. Algorithms developed to predict the effect of missense changes on protein structure and function (SIFT, PolyPhen-2, Align-GVGD) all suggest that this variant is likely to be tolerated. ClinVar contains an entry for this variant (Variation ID: 1006989).